The following is an entry in ClinVar:

NM_025219.3(DNAJC5):c.*1604C>T

Gene: DNAJC5 (DnaJ heat shock protein family (Hsp40) member C5; plus strand). Cytogenetic location: 20q13.33.
Variant type: single nucleotide variant.
Coding change: c.*1604C>T on transcript NM_025219.3 (MANE Select); 1604 bases downstream of the stop codon, C replaced by T.
Molecular consequence: 3 prime UTR variant.
Genome position (GRCh38, 1-based): chr20:63,933,172, C>T. VCF-style: chr20-63933172-C-T. GRCh37 (hg19) VCF-style: chr20-62564525-C-T.
Identifiers: ClinVar variation 339396 (VCV000339396.6), dbSNP rs554749952, ClinGen allele CA10653400.

ClinVar aggregate classification (germline): Benign (1 of 4 stars; one submission).

Conditions:
Ceroid lipofuscinosis, neuronal, 4 (Kufs type) (CLN4). Also called: Neuronal ceroid lipofuscinosis 4B; Ceroid lipofuscinosis, neuronal, 4, Parry type. Identifiers: Orphanet 228343, Orphanet 79262, MedGen C1834207, MONDO:0008083, OMIM 162350.

Allele frequency attached by ClinVar (database versions not stated): gnomAD 0.00001 and 0.00015; TOPMed 0.00002; 1000 Genomes Project 30x 0.00094; 1000 Genomes Project 0.00120.

Submission:

Illumina Laboratory Services, Illumina
Classification: Benign for Ceroid lipofuscinosis, neuronal, 4 (Kufs type). Last evaluated: 2018-01-13. Review status: criteria provided, single submitter. Criteria: ICSL Variant Classification Criteria 13 December 2019. Collection method: clinical testing. Allele origin: germline.
Comment: This variant was observed in the ICSL laboratory as part of a predisposition screen in an ostensibly healthy population. It had not been previously curated by ICSL or reported in the Human Gene Mutation Database (HGMD: prior to June 1st, 2018), and was therefore a candidate for classification through an automated scoring system. Utilizing variant allele frequency, disease prevalence and penetrance estimates, and inheritance mode, an automated score was calculated to assess if this variant is too frequent to cause the disease. Based on the score and internal cut-off values, a variant classified as benign is not then subjected to further curation. The score for this variant resulted in a classification of benign for this disease.